The following is an entry in ClinVar:

NM_003978.5(PSTPIP1):c.1154T>G (p.Ile385Ser)

Gene: PSTPIP1 (proline-serine-threonine phosphatase interacting protein 1; plus strand). Cytogenetic location: 15q24.3.
Variant type: single nucleotide variant.
Coding change: c.1154T>G on transcript NM_003978.5 (MANE Select); coding-DNA position 1154, T replaced by G.
Protein change: p.Ile385Ser; replaces isoleucine 385 with serine.
Molecular consequence: missense variant. On other transcripts: non-coding transcript variant (1).
Genome position (GRCh38, 1-based): chr15:77,037,079, T>G. VCF-style: chr15-77037079-T-G. GRCh37 (hg19) VCF-style: chr15-77329420-T-G.
Other names: c.1097T>G, p.Ile366Ser (NM_001321135.2); c.1127T>G, p.Ile376Ser (NM_001321136.2); c.1349T>G, p.Ile450Ser (NM_001321137.1); c.1145T>G, p.Ile382Ser (NM_001411086.1); short protein forms I366S, I376S, I382S, I385S, I450S.
Identifiers: ClinVar variation 4809094 (VCV004809094.1).

ClinVar aggregate classification (germline): Uncertain significance (1 of 4 stars; one submission).

Conditions:
Pyogenic arthritis-pyoderma gangrenosum-acne syndrome (PAPA). Also called: FAMILIAL RECURRENT ARTHRITIS; PAPA SYNDROME. Identifiers: Orphanet 69126, MedGen C1858361, MONDO:0011462, OMIM 604416.

Submission:

Labcorp Genetics (formerly Invitae), Labcorp
Classification: Uncertain significance for Pyogenic arthritis-pyoderma gangrenosum-acne syndrome. Last evaluated: 2025-09-09. Review status: criteria provided, single submitter. Criteria: Invitae Variant Classification Sherloc (09022015). Collection method: clinical testing. Allele origin: germline.
Comment: This sequence change replaces isoleucine, which is neutral and non-polar, with serine, which is neutral and polar, at codon 385 of the PSTPIP1 protein (p.Ile385Ser). This variant is not present in population databases (gnomAD no frequency). This variant has not been reported in the literature in individuals affected with PSTPIP1-related conditions. Invitae Evidence Modeling of protein sequence and biophysical properties (such as structural, functional, and spatial information, amino acid conservation, physicochemical variation, residue mobility, and thermodynamic stability) indicates that this missense variant is not expected to disrupt PSTPIP1 protein function with a negative predictive value of 80%. In summary, the available evidence is currently insufficient to determine the role of this variant in disease. Therefore, it has been classified as a Variant of Uncertain Significance.